The following is an entry in ClinVar:

NM_021831.6(AGBL5):c.1455T>G (p.Tyr485Ter)

Gene: AGBL5 (AGBL carboxypeptidase 5; plus strand). Cytogenetic location: 2p23.3.
Variant type: single nucleotide variant.
Coding change: c.1455T>G on transcript NM_021831.6 (MANE Select); coding-DNA position 1455, T replaced by G.
Protein change: p.Tyr485Ter; replaces tyrosine 485 with a stop codon.
Molecular consequence: nonsense. On other transcripts: non-coding transcript variant (2).
Genome position (GRCh38, 1-based): chr2:27,056,712, T>G. VCF-style: chr2-27056712-T-G. GRCh37 (hg19) VCF-style: chr2-27279580-T-G.
Other names: c.1455T>G, p.Tyr485Ter (NM_001035506.1, NM_001035507.3); short protein forms Y485*.
Identifiers: ClinVar variation 2060317 (VCV002060317.5), dbSNP rs2465472183, ClinGen allele CA346182535.

ClinVar aggregate classification (germline): Pathogenic/Likely pathogenic. Review status: criteria provided, multiple submitters, no conflicts (2 of 4 stars). 2 submissions from 2 submitters: Pathogenic (1); Likely pathogenic (1). Last evaluated 2022-06-04.

Conditions:
AGBL5-related disorder. Also called: AGBL5-related condition.

Submissions (2):

Labcorp Genetics (formerly Invitae), Labcorp
Classification: Pathogenic. Last evaluated: 2022-06-04. Review status: criteria provided, single submitter. Criteria: Invitae Variant Classification Sherloc (09022015). Collection method: clinical testing. Allele origin: germline.
Comment: For these reasons, this variant has been classified as Pathogenic. Algorithms developed to predict the effect of sequence changes on RNA splicing suggest that this variant may disrupt the consensus splice site. This variant has not been reported in the literature in individuals affected with AGBL5-related conditions. This variant is not present in population databases (gnomAD no frequency). This sequence change creates a premature translational stop signal (p.Tyr485*) in the AGBL5 gene. It is expected to result in an absent or disrupted protein product. Loss-of-function variants in AGBL5 are known to be pathogenic (PMID: 27764769, 27842159).

Blueprint Genetics
Classification: Likely pathogenic for AGBL5-related disorders. Last evaluated: 2019-06-26. Review status: criteria provided, single submitter. Criteria: ACMG Guidelines, 2015. Collection method: clinical testing. Allele origin: germline. Affected: yes. Observed: 1 variant allele.

Literature cited by the submitters: PubMed 27764769 (cited by Labcorp Genetics (formerly Invitae), Labcorp); PubMed 27842159 (cited by Labcorp Genetics (formerly Invitae), Labcorp).